The following is an entry in ClinVar:

NM_004281.4(BAG3):c.1496T>A (p.Ile499Asn)

Gene: BAG3 (BAG cochaperone 3; plus strand). Cytogenetic location: 10q26.11.
Variant type: single nucleotide variant.
Coding change: c.1496T>A on transcript NM_004281.4 (MANE Select); coding-DNA position 1496, T replaced by A.
Protein change: p.Ile499Asn; replaces isoleucine 499 with asparagine.
Molecular consequence: missense variant.
Genome position (GRCh38, 1-based): chr10:119,677,050, T>A. VCF-style: chr10-119677050-T-A. GRCh37 (hg19) VCF-style: chr10-121436562-T-A.
Other names: short protein forms I499N.
Identifiers: ClinVar variation 1722397 (VCV001722397.1), dbSNP rs1405717595, ClinGen allele CA378297450.

ClinVar aggregate classification (germline): Uncertain significance (1 of 4 stars; one submission).

gnomAD v4.1: 2 of 1,614,110 alleles (0.00012%); highest among the groups gnomAD compares: African/African-American, 0.0027%; no homozygotes.

Submission:

Women's Health and Genetics/Laboratory Corporation of America, LabCorp
Classification: Uncertain significance. Last evaluated: 2022-09-26. Review status: criteria provided, single submitter. Criteria: LabCorp Variant Classification Summary - May 2015. Collection method: clinical testing. Allele origin: germline.
Comment: Variant summary: BAG3 c.1496T>A (p.Ile499Asn) results in a non-conservative amino acid change in the encoded protein sequence. Three of five in-silico tools predict a damaging effect of the variant on protein function. The variant was absent in 251452 control chromosomes. The available data on variant occurrences in the general population are insufficient to allow any conclusion about variant significance. To our knowledge, no occurrence of c.1496T>A in individuals affected with Dilated Cardiomyopathy and no experimental evidence demonstrating its impact on protein function have been reported. No clinical diagnostic laboratories have submitted clinical-significance assessments for this variant to ClinVar after 2014. Based on the evidence outlined above, the variant was classified as uncertain significance.